The following is an entry in ClinVar:

ClinVar aggregate classification (germline): Conflicting classifications of pathogenicity. Review status: criteria provided, conflicting classifications (1 of 4 stars). 3 submissions from 3 submitters: Uncertain significance (1); Likely benign (2). Last evaluated 2025-03-19.

Conditions:
Juvenile polyposis syndrome (JPS). Identifiers: Orphanet 2929, MedGen C0345893, MONDO:0017380, OMIM 174900.
Juvenile polyposis/hereditary hemorrhagic telangiectasia syndrome (JPHT). Also called: Juvenile Polyposis Syndrome / Hereditary Hemorrhagic Telangiectasia (JPS/HHT); JP/HHT SYNDROME; JUVENILE POLYPOSIS WITH HEREDITARY HEMORRHAGIC TELANGIECTASIA; POLYPOSIS, GENERALIZED JUVENILE, WITH PULMONARY ARTERIOVENOUS MALFORMATION; TELANGIECTASIA, HEREDITARY HEMORRHAGIC, WITH JUVENILE POLYPOSIS COLI. Identifiers: Orphanet 2929, MedGen C1832942, MONDO:0008278, OMIM 175050.

Allele frequency attached by ClinVar (database versions not stated): gnomAD 0.00001.

Submissions (3):

Myriad Genetics, Inc.
Classification: Likely benign for Juvenile polyposis/hereditary hemorrhagic telangiectasia syndrome. Last evaluated: 2025-03-19. Review status: criteria provided, single submitter. Criteria: Myriad Autosomal Dominant, Autosomal Recessive and X-Linked Classification Criteria (2023). Collection method: clinical testing. Allele origin: unknown.
Comment: This variant is considered likely benign. This variant is intronic and is not expected to impact mRNA splicing.

Labcorp Genetics (formerly Invitae), Labcorp
Classification: Likely benign for Juvenile polyposis syndrome. Last evaluated: 2025-01-06. Review status: criteria provided, single submitter. Criteria: Invitae Variant Classification Sherloc (09022015). Collection method: clinical testing. Allele origin: germline.

Quest Diagnostics Nichols Institute San Juan Capistrano
Classification: Uncertain significance. Last evaluated: 2024-05-28. Review status: criteria provided, single submitter. Criteria: Quest Diagnostics criteria. Collection method: clinical testing. Allele origin: unknown.
Comment: The SMAD4 c.454+8A>T variant has not been reported in individuals with SMAD4-related conditions in the published literature. The frequency of this variant in the general population, 0.000032 (1/31388 chromosomes (Genome Aggregation Database)), is uninformative in the assessment of its pathogenicity. Analysis of this variant using software algorithms for the prediction of the effect of nucleotide changes on splicing yielded predictions that this variant does not affect SMAD4 mRNA splicing. Based on the available information, we are unable to determine the clinical significance of this variant.

NM_005359.6(SMAD4):c.454+8A>T

Gene: SMAD4 (SMAD family member 4; plus strand). Cytogenetic location: 18q21.2.
Variant type: single nucleotide variant.
Coding change: c.454+8A>T on transcript NM_005359.6 (MANE Select); 8 bases into the intron after coding-DNA position 454, A replaced by T.
Molecular consequence: intron variant.
Genome position (GRCh38, 1-based): chr18:51,049,332, A>T. VCF-style: chr18-51049332-A-T. GRCh37 (hg19) VCF-style: chr18-48575702-A-T.
Identifiers: ClinVar variation 219454 (VCV000219454.11), dbSNP rs864622099, ClinGen allele CA348976.